The following is an entry in ClinVar:

NM_003036.4(SKI):c.2123A>T (p.Gln708Leu)

Gene: SKI (SKI proto-oncogene; plus strand). Cytogenetic location: 1p36.32.
Variant type: single nucleotide variant.
Coding change: c.2123A>T on transcript NM_003036.4 (MANE Select); coding-DNA position 2123, A replaced by T.
Protein change: p.Gln708Leu; replaces glutamine 708 with leucine.
Molecular consequence: missense variant.
Genome position (GRCh38, 1-based): chr1:2,306,701, A>T. VCF-style: chr1-2306701-A-T. GRCh37 (hg19) VCF-style: chr1-2238140-A-T.
Other names: short protein forms Q708L.
Identifiers: ClinVar variation 3633456 (VCV003633456.2).

ClinVar aggregate classification (germline): Uncertain significance (1 of 4 stars; one submission).

Conditions:
Shprintzen-Goldberg syndrome (SGS). Also called: Marfanoid disorder with craniosynostosis type 1; Marfanoid craniosynostosis syndrome; Shprintzen-Goldberg marfanoid syndrome; SHPRINTZEN-GOLDBERG CRANIOSYNOSTOSIS SYNDROME; CRANIOSYNOSTOSIS WITH ARACHNODACTYLY AND ABDOMINAL HERNIAS. Identifiers: Orphanet 2462, MedGen C1321551, MONDO:0008426, OMIM 182212.

Submission:

Labcorp Genetics (formerly Invitae), Labcorp
Classification: Uncertain significance for Shprintzen-Goldberg syndrome. Last evaluated: 2024-04-06. Review status: criteria provided, single submitter. Criteria: Invitae Variant Classification Sherloc (09022015). Collection method: clinical testing. Allele origin: germline.
Comment: This sequence change replaces glutamine, which is neutral and polar, with leucine, which is neutral and non-polar, at codon 708 of the SKI protein (p.Gln708Leu). This variant is not present in population databases (gnomAD no frequency). This variant has not been reported in the literature in individuals affected with SKI-related conditions. Advanced modeling of protein sequence and biophysical properties (such as structural, functional, and spatial information, amino acid conservation, physicochemical variation, residue mobility, and thermodynamic stability) has been performed at Invitae for this missense variant, however the output from this modeling did not meet the statistical confidence thresholds required to predict the impact of this variant on SKI protein function. In summary, the available evidence is currently insufficient to determine the role of this variant in disease. Therefore, it has been classified as a Variant of Uncertain Significance.